The following is an entry in ClinVar:

ClinVar aggregate classification (germline): Likely benign. Review status: criteria provided, multiple submitters, no conflicts (2 of 4 stars). 2 submissions from 2 submitters: Likely benign (2). Last evaluated 2026-05-26.

Conditions:
CDH23-related disorder. Also called: CDH23-related condition; CDH23-related disorders.

gnomAD v4.1: 12 of 1,612,480 alleles (0.00074%); highest among the groups gnomAD compares: Non-Finnish European, 0.001%; no homozygotes.

Submissions (2):

PreventionGenetics, part of Exact Sciences
Classification: Likely benign for CDH23-related condition. Last evaluated: 2026-05-26. Review status: criteria provided, single submitter. Criteria: ACMG Guidelines, 2015. Collection method: clinical testing. Allele origin: germline.
Comment: This variant is classified as likely benign based on ACMG/AMP sequence variant interpretation guidelines (Richards et al. 2015 PMID: 25741868, with internal and published modifications).

Labcorp Genetics (formerly Invitae), Labcorp
Classification: Likely benign. Last evaluated: 2021-01-05. Review status: criteria provided, single submitter. Criteria: Invitae Variant Classification Sherloc (09022015). Collection method: clinical testing. Allele origin: germline.

NM_022124.6(CDH23):c.4146C>G (p.Gly1382=)

Genes: C10orf105 (chromosome 10 open reading frame 105; minus strand), CDH23 (cadherin related 23; plus strand). Cytogenetic location: 10q22.1.
Variant type: single nucleotide variant.
Coding change: c.4146C>G on transcript NM_022124.6 (MANE Select); coding-DNA position 4146, C replaced by G.
Protein change: p.Gly1382=; no amino-acid change (glycine 1382 retained).
Molecular consequence: synonymous variant. On other transcripts: intron variant (1).
Genome position (GRCh38, 1-based): chr10:71,734,281, C>G. VCF-style: chr10-71734281-C-G. GRCh37 (hg19) VCF-style: chr10-73494038-C-G.
Other names: c.-6+3447G>C (NM_001168390.2).
Identifiers: ClinVar variation 1674516 (VCV001674516.9), dbSNP rs201008425, ClinGen allele CA470068360.